The following is an entry in ClinVar:

NM_000051.4(ATM):c.6864_6867dup (p.Glu2290delinsLeuTer)

Genes: ATM (ATM serine/threonine kinase; plus strand), C11orf65 (chromosome 11 open reading frame 65; minus strand). Cytogenetic location: 11q22.3.
Variant type: Microsatellite.
Coding change: c.6864_6867dup on transcript NM_000051.4 (MANE Select); coding-DNA positions 6864 to 6867, 4 bases duplicated (CTCT; older notation c.6864_6867dupCTCT).
Protein change: p.Glu2290delinsLeuTer.
Molecular consequence: nonsense. On other transcripts: intron variant (2).
Genome position (GRCh38, 1-based): chr11:108,326,114-108,326,117, CTCT duplicated; duplicating any 4 consecutive bases within chr11:108,326,113-108,326,117 gives the same sequence; the c. name uses the placement nearest the transcript's 3' end. VCF-style (leftmost placement, unchanged base first): chr11-108326112-G-GTCTC. GRCh37 (hg19) VCF-style: chr11-108196839-G-GTCTC.
Other names: c.6864_6867dup, p.Glu2290delinsLeuTer (NM_001351834.2); c.641-17045GA[4] (NM_001330368.2); c.*38+9104GA[4] (NM_001351110.2).
Identifiers: ClinVar variation 4082320 (VCV004082320.1).

ClinVar aggregate classification (germline): Pathogenic (1 of 4 stars; one submission).

Conditions:
Hereditary cancer-predisposing syndrome. Also called: Neoplastic Syndromes, Hereditary; Tumor predisposition; Hereditary neoplastic syndrome; Hereditary Cancer Syndrome. Identifiers: Orphanet 140162, MedGen C0027672, MeSH D009386, MONDO:0015356.

Submission:

Molecular Diagnostics Laboratory, Catalan Institute of Oncology
Classification: Pathogenic for Hereditary cancer-predisposing syndrome. Last evaluated: 2025-08-25. Review status: criteria provided, single submitter. Criteria: ClinGen ACMG Specifications ATM V1.1.0. Collection method: clinical testing. Allele origin: germline.
Comment: PVS1, PM2_Supporting, PM5_Supporting c.6864_6867dup, located in exon 47 of the ATM gene, consists in the duplication of 4 nucleotides, causing a translational frameshift with a predicted alternate stop codon (p.(Glu2290Leufs*2)). This alteration isexpected to result in loss of function by premature protein truncation and nonsense-mediated mRNA decay (PVS1, PM5_Supporting). It is not present in the population database gnomAD v2.1.1, non cancer dataset (PM2_Supporting). The SpliceAI algorithm predicts no significant impact on splicing. To our knowledge, neither relevant clinical data nor well-established functional studies have been reported for this variant. It has not been reported in ClinVar. Based on the currently available evidence, c.6864_6867dup is classified as a pathogenic variant according to ClinGen-ATM Guidelines v.1.1.